The following is an entry in ClinVar:

NM_013382.7(POMT2):c.1300C>T (p.Arg434Trp)

Gene: POMT2 (protein O-mannosyltransferase 2; minus strand). Cytogenetic location: 14q24.3.
Variant type: single nucleotide variant.
Coding change: c.1300C>T on transcript NM_013382.7 (MANE Select); coding-DNA position 1300, C replaced by T.
Protein change: p.Arg434Trp; replaces arginine 434 with tryptophan.
Molecular consequence: missense variant.
Genome position (GRCh38, 1-based): chr14:77,286,776, G>A on the plus strand (C>T on the coding strand, the complement: POMT2 is on the minus strand). VCF-style: chr14-77286776-G-A. GRCh37 (hg19) VCF-style: chr14-77753119-G-A.
Other names: short protein forms R434W.
Identifiers: ClinVar variation 582117 (VCV000582117.10), dbSNP rs768256055, ClinGen allele CA7285903.

ClinVar aggregate classification (germline): Uncertain significance. Review status: criteria provided, multiple submitters, no conflicts (2 of 4 stars). 3 submissions from 3 submitters: Uncertain significance (3). Last evaluated 2024-10-13.

Conditions:
Muscular dystrophy-dystroglycanopathy (congenital with impaired intellectual development), type B, 2. Also called: Muscular dystrophy-dystroglycanopathy (congenital with intellectual disability), type B2; MUSCULAR DYSTROPHY, CONGENITAL, POMT2-RELATED. Identifiers: MedGen C3150416, MONDO:0013160, OMIM 613156.
Autosomal recessive limb-girdle muscular dystrophy type 2N. Also called: Muscular dystrophy-dystroglycanopathy (limb-girdle), type C, 2; MUSCULAR DYSTROPHY-DYSTROGLYCANOPATHY, LIMB-GIRDLE, POMT2-RELATED. Identifiers: Orphanet 206559, MedGen C3150418, MONDO:0013162, OMIM 613158.
Muscular dystrophy-dystroglycanopathy (congenital with brain and eye anomalies), type A1 (MDDGA1). Also called: Muscular dystrophy-dystroglycanopathy (congenital with brain and eye anomalies), type A, 1; WALKER-WARBURG SYNDROME OR MUSCLE-EYE-BRAIN DISEASE, POMT1-RELATED; Hydrocephalus, agyria and retinal dysplasia; Hard +/- E syndrome; Warburg syndrome; Chemke syndrome. Identifiers: Orphanet 588, Orphanet 899, MedGen C4284790, MONDO:0009364, OMIM 236670.
Muscular dystrophy-dystroglycanopathy (congenital with brain and eye anomalies), type A2. Also called: MUSCULAR DYSTROPHY-DYSTROGLYCANOPATHY (CONGENITAL WITH BRAIN AND EYE ANOMALIES), TYPE A, 2; WALKER-WARBURG SYNDROME OR MUSCLE-EYE-BRAIN DISEASE, POMT2-RELATED. Identifiers: Orphanet 588, Orphanet 899, MedGen C3150411, MONDO:0013154, OMIM 613150.

Allele frequency attached by ClinVar (database versions not stated): TOPMed 0.00004; ExAC 0.00002; gnomAD 0.00002; gnomAD exomes 0.00004.
gnomAD v4.1: 38 of 1,613,984 alleles (0.0024%); highest among the groups gnomAD compares: Admixed American, 0.012%; no homozygotes.

Submissions (3):

Labcorp Genetics (formerly Invitae), Labcorp
Classification: Uncertain significance for Muscular dystrophy-dystroglycanopathy (congenital with impaired intellectual development), type B, 2; Muscular dystrophy-dystroglycanopathy (congenital with brain and eye anomalies), type A2; Autosomal recessive limb-girdle muscular dystrophy type 2N. Last evaluated: 2024-10-13. Review status: criteria provided, single submitter. Criteria: Invitae Variant Classification Sherloc (09022015). Collection method: clinical testing. Allele origin: germline.
Comment: This sequence change replaces arginine, which is basic and polar, with tryptophan, which is neutral and slightly polar, at codon 434 of the POMT2 protein (p.Arg434Trp). This variant is present in population databases (rs768256055, gnomAD 0.01%). This variant has not been reported in the literature in individuals affected with POMT2-related conditions. ClinVar contains an entry for this variant (Variation ID: 582117). Invitae Evidence Modeling of protein sequence and biophysical properties (such as structural, functional, and spatial information, amino acid conservation, physicochemical variation, residue mobility, and thermodynamic stability) has been performed for this missense variant. However, the output from this modeling did not meet the statistical confidence thresholds required to predict the impact of this variant on POMT2 protein function. In summary, the available evidence is currently insufficient to determine the role of this variant in disease. Therefore, it has been classified as a Variant of Uncertain Significance.

Revvity Omics, Revvity
Classification: Uncertain significance. Last evaluated: 2019-09-05. Review status: criteria provided, single submitter. Criteria: ACMG Guidelines, 2015. Collection method: clinical testing. Allele origin: germline.

Fulgent Genetics
Classification: Uncertain significance for Muscular dystrophy-dystroglycanopathy (congenital with brain and eye anomalies), type A1; Muscular dystrophy-dystroglycanopathy (congenital with brain and eye anomalies), type A2; Muscular dystrophy-dystroglycanopathy (congenital with impaired intellectual development), type B, 2; Autosomal recessive limb-girdle muscular dystrophy type 2N. Last evaluated: 2018-10-31. Review status: criteria provided, single submitter. Criteria: ACMG Guidelines, 2015. Collection method: clinical testing. Allele origin: unknown.